The following is an entry in ClinVar:

ClinVar aggregate classification (germline): Likely benign (1 of 4 stars; one submission).

Conditions:
Wilson disease (WND). Also called: Wilson's disease. Identifiers: Orphanet 905, MedGen C0019202, MONDO:0010200, OMIM 277900. Disease mechanism: loss of function.

gnomAD v4.1: 2 of 1,583,644 alleles (0.00013%); highest among the groups gnomAD compares: Admixed American, 0.0018%; no homozygotes.

Submission:

All of Us Research Program, National Institutes of Health
Classification: Likely benign for Wilson disease. Last evaluated: 2023-05-16. Review status: criteria provided, single submitter. Criteria: ACMG Guidelines, 2015. Collection method: clinical testing. Allele origin: germline. Inheritance: Autosomal recessive inheritance. Observed: 1 variant allele, 1 heterozygote.
Comment: This study involves interpretation of variants in research participants for the purpose of population health screening. Participant phenotype was not available at the time of variant classification. Additional details can be found in publication PMID: 35346344, PMCID: PMC8962531

NM_000053.4(ATP7B):c.3054G>T (p.Ala1018=)

Gene: ATP7B (ATPase copper transporting beta; minus strand). Cytogenetic location: 13q14.3.
Variant type: single nucleotide variant.
Coding change: c.3054G>T on transcript NM_000053.4 (MANE Select); coding-DNA position 3054, G replaced by T.
Protein change: p.Ala1018=; no amino-acid change (alanine 1018 retained).
Molecular consequence: synonymous variant. On other transcripts: intron variant (6).
Genome position (GRCh38, 1-based): chr13:51,946,290, C>A on the plus strand (G>T on the coding strand, the complement: ATP7B is on the minus strand). VCF-style: chr13-51946290-C-A. GRCh37 (hg19) VCF-style: chr13-52520426-C-A.
Other names: c.2433G>T, p.Ala811= (NM_001005918.3); c.2721G>T, p.Ala907= (NM_001243182.2); c.2820G>T, p.Ala940= (NM_001330578.2, NM_001406527.1, NM_001406528.1 and 1 more transcripts); c.2802G>T, p.Ala934= (NM_001330579.2, NM_001406531.1, NM_001406532.1); c.3054G>T, p.Ala1018= (NM_001406511.1, NM_001406512.1, NM_001406513.1 and 2 more transcripts); c.3021G>T, p.Ala1007= (NM_001406514.1); c.3000G>T, p.Ala1000= (NM_001406515.1, NM_001406516.1); c.2958G>T, p.Ala986= (NM_001406517.1, NM_001406518.1); and 18 more.
Identifiers: ClinVar variation 3071232 (VCV003071232.1), dbSNP rs193922105, ClinGen allele CA483894866.